The following is an entry in ClinVar:

NM_183377.2(ASIC2):c.1129C>A (p.His377Asn)

Gene: ASIC2 (acid sensing ion channel subunit 2; minus strand). Cytogenetic location: 17q11.2.
Variant type: single nucleotide variant.
Coding change: c.1129C>A on transcript NM_183377.2 (MANE Select); coding-DNA position 1129, C replaced by A.
Protein change: p.His377Asn; replaces histidine 377 with asparagine.
Molecular consequence: missense variant.
Genome position (GRCh38, 1-based): chr17:33,028,251, G>T on the plus strand (C>A on the coding strand, the complement: ASIC2 is on the minus strand). VCF-style: chr17-33028251-G-T. GRCh37 (hg19) VCF-style: chr17-31355269-G-T.
Other names: c.976C>A, p.His326Asn (NM_001094.5); short protein forms H326N, H377N.
Identifiers: ClinVar variation 161511 (VCV000161511.2), dbSNP rs193921140, ClinGen allele CA174173.

ClinVar aggregate classification (germline): Uncertain significance (0 of 4 stars; one submission).

Conditions:
Prostate cancer. Also called: Malignant tumor of prostate. Identifiers: Orphanet 1331, MedGen C0376358, MONDO:0008315, HP:0012125.

Submission:

Science for Life laboratory,  Karolinska Institutet
Classification: Uncertain significance for Malignant tumor of prostate. Review status: no assertion criteria provided. Collection method: not provided. Allele origin: somatic.
Comment: TumorID:SWE-92C
ClinVar note: Converted during submission from Unknown to Uncertain significance.